The following is an entry in ClinVar:

ClinVar aggregate classification (germline): Uncertain significance. Review status: criteria provided, multiple submitters, no conflicts (2 of 4 stars). 2 submissions from 2 submitters: Uncertain significance (2). Last evaluated 2025-12-31.

Conditions:
DICER1-related tumor predisposition. Also called: DICER1 syndrome; DICER1-related pleuropulmonary blastoma cancer predisposition syndrome. Identifiers: Orphanet 284343, MedGen C3839822, MONDO:0100216.
Hereditary cancer-predisposing syndrome. Also called: Neoplastic Syndromes, Hereditary; Tumor predisposition; Hereditary neoplastic syndrome; Hereditary Cancer Syndrome. Identifiers: Orphanet 140162, MedGen C0027672, MeSH D009386, MONDO:0015356.

Allele frequency attached by ClinVar (database versions not stated): gnomAD exomes below 0.00001 and 0.00001; ExAC 0.00002; 1000 Genomes Project 0.00020; 1000 Genomes Project 30x 0.00031.
gnomAD v4.1: 4 of 1,614,108 alleles (0.00025%); highest among the groups gnomAD compares: Admixed American, 0.0067%; no homozygotes.

Submissions (2):

Labcorp Genetics (formerly Invitae), Labcorp
Classification: Uncertain significance for DICER1-related tumor predisposition. Last evaluated: 2025-12-31. Review status: criteria provided, single submitter. Criteria: Invitae Variant Classification Sherloc (09022015). Collection method: clinical testing. Allele origin: germline.
Comment: This sequence change replaces leucine, which is neutral and non-polar, with phenylalanine, which is neutral and non-polar, at codon 1777 of the DICER1 protein (p.Leu1777Phe). This variant is present in population databases (rs183879938, gnomAD 0.003%). This variant has not been reported in the literature in individuals affected with DICER1-related conditions. ClinVar contains an entry for this variant (Variation ID: 242136). Invitae Evidence Modeling of protein sequence and biophysical properties (such as structural, functional, and spatial information, amino acid conservation, physicochemical variation, residue mobility, and thermodynamic stability) indicates that this missense variant is not expected to disrupt DICER1 protein function with a negative predictive value of 95%. In summary, the available evidence is currently insufficient to determine the role of this variant in disease. Therefore, it has been classified as a Variant of Uncertain Significance.

Ambry Genetics
Classification: Uncertain significance for Hereditary cancer-predisposing syndrome. Last evaluated: 2025-11-05. Review status: criteria provided, single submitter. Criteria: Ambry Variant Classification Scheme 2023. Collection method: clinical testing. Allele origin: germline.
Comment: The p.L1777F variant (also known as c.5329C>T), located in coding exon 23 of the DICER1 gene, results from a C to T substitution at nucleotide position 5329. The leucine at codon 1777 is replaced by phenylalanine, an amino acid with highly similar properties. This amino acid position is well conserved in available vertebrate species. In addition, this alteration is predicted to be tolerated by in silico analysis. Since supporting evidence is limited at this time, the clinical significance of this alteration remains unclear.

NM_177438.3(DICER1):c.5329C>T (p.Leu1777Phe)

Gene: DICER1 (dicer 1, ribonuclease III; minus strand). Cytogenetic location: 14q32.13.
Variant type: single nucleotide variant.
Coding change: c.5329C>T on transcript NM_177438.3 (MANE Select); coding-DNA position 5329, C replaced by T.
Protein change: p.Leu1777Phe; replaces leucine 1777 with phenylalanine.
Molecular consequence: missense variant.
Genome position (GRCh38, 1-based): chr14:95,093,923, G>A on the plus strand (C>T on the coding strand, the complement: DICER1 is on the minus strand). VCF-style: chr14-95093923-G-A. GRCh37 (hg19) VCF-style: chr14-95560260-G-A.
Other names: c.5329C>T, p.Leu1777Phe (NM_001195573.1, NM_001271282.3, NM_001291628.2 and 1 more transcripts); short protein forms L1777F.
Identifiers: ClinVar variation 242136 (VCV000242136.14), dbSNP rs183879938, ClinGen allele CA7330697.